The following is an entry in ClinVar:

ClinVar aggregate classification (germline): Benign (1 of 4 stars; one submission).

Allele frequency attached by ClinVar (database versions not stated): gnomAD 0.73593 and 0.73632; TOPMed 0.75598; 1000 Genomes Project 30x 0.80153; 1000 Genomes Project 0.80591.
gnomAD v4.1: 111,617 of 151,708 alleles (74%); highest among the groups gnomAD compares: African/African-American, 89%; 42,041 homozygotes.

Submission:

GeneDx
Classification: Benign. Last evaluated: 2018-06-14. Review status: criteria provided, single submitter. Criteria: GeneDx Variant Classification (06012015). Collection method: clinical testing. Allele origin: germline. Affected: yes.
Comment: This variant is considered likely benign or benign based on one or more of the following criteria: it is a conservative change, it occurs at a poorly conserved position in the protein, it is predicted to be benign by multiple in silico algorithms, and/or has population frequency not consistent with disease.

NM_032119.4(ADGRV1):c.8287-238A>G

Gene: ADGRV1 (adhesion G protein-coupled receptor V1; plus strand). Cytogenetic location: 5q14.3.
Variant type: single nucleotide variant.
Coding change: c.8287-238A>G on transcript NM_032119.4 (MANE Select); 238 bases into the intron before coding-DNA position 8287, A replaced by G.
Molecular consequence: intron variant.
Genome position (GRCh38, 1-based): chr5:90,704,151, A>G. VCF-style: chr5-90704151-A-G. GRCh37 (hg19) VCF-style: chr5-89999968-A-G.
Identifiers: ClinVar variation 678800 (VCV000678800.1), dbSNP rs10942606, ClinGen allele CA122802522.